The following is an entry in ClinVar:

NM_007294.4(BRCA1):c.1175_1215del (p.Leu392fs)

Gene: BRCA1 (BRCA1 DNA repair associated; minus strand). Cytogenetic location: 17q21.31.
Variant type: Deletion.
Coding change: c.1175_1215del on transcript NM_007294.4 (MANE Select); coding-DNA positions 1175 to 1215, 41 bases deleted.
Protein change: p.Leu392fs; shifts the reading frame from leucine 392.
Molecular consequence: frameshift variant. On other transcripts: intron variant (137).
Genome position (GRCh38, 1-based): chr17:43,094,316-43,094,356, 41 bases deleted. GRCh37 (hg19): chr17:41,246,333-41,246,373.
Other names: 1294del41; c.962_1002del, p.Leu321fs (NM_001407571.1, NM_001407853.1, NM_001407894.1 and 9 more transcripts); c.1175_1215del, p.Leu392fs (NM_001407581.1, NM_001407582.1, NM_001407583.1 and 30 more transcripts); c.1172_1212del, p.Leu391fs (NM_001407587.1, NM_001407590.1, NM_001407591.1 and 22 more transcripts); c.1166_1206del, p.Leu389fs (NM_001407646.1, NM_001407647.1); c.1052_1092del, p.Leu351fs (NM_001407648.1, NM_001407664.1, NM_001407665.1 and 19 more transcripts); c.1049_1089del, p.Leu350fs (NM_001407649.1, NM_001407670.1, NM_001407671.1 and 11 more transcripts); c.1097_1137del, p.Leu366fs (NM_001407653.1, NM_001407654.1, NM_001407655.1 and 4 more transcripts); and 41 more; short protein forms L345fs, L392fs, L280fs, L322fs, L324fs, L391fs, L96fs, L304fs.
Identifiers: ClinVar variation 37394 (VCV000037394.3), dbSNP rs397507180, ClinGen allele CA000778.

ClinVar aggregate classification (germline): Pathogenic. Review status: reviewed by expert panel (3 of 4 stars). 2 submissions from 2 submitters: Pathogenic (1). 1 of the submissions does not count toward it. Last evaluated 2017-12-15.

Conditions:
Breast-ovarian cancer, familial, susceptibility to, 1 (BROVCA1). Also called: OVARIAN CANCER, SUSCEPTIBILITY TO; BRCA1 Hereditary Breast and Ovarian Cancer. Identifiers: Orphanet 145, MedGen C2676676, MONDO:0011450, OMIM 604370. Disease mechanism: loss of function.

Submissions (2):

Evidence-based Network for the Interpretation of Germline Mutant Alleles (ENIGMA)
Classification: Pathogenic for Breast-ovarian cancer, familial, susceptibility to, 1. Last evaluated: 2017-12-15. Review status: reviewed by expert panel. Criteria: ENIGMA BRCA1/2 Classification Criteria (2017-06-29). Collection method: curation. Allele origin: germline. Study: ENIGMA.
Comment: Variant allele predicted to encode a truncated non-functional protein.

Sharing Clinical Reports Project (SCRP)
Classification: Pathogenic for Breast-ovarian cancer, familial 1. Last evaluated: 2008-09-16. Review status: no assertion criteria provided. Collection method: clinical testing. Allele origin: germline. Not counted in ClinVar's aggregate classification.